The following is an entry in ClinVar:

NM_007272.3(CTRC):c.758C>T (p.Thr253Ile)

Gene: CTRC (chymotrypsin C; plus strand). Cytogenetic location: 1p36.21.
Variant type: single nucleotide variant.
Coding change: c.758C>T on transcript NM_007272.3 (MANE Select); coding-DNA position 758, C replaced by T.
Protein change: p.Thr253Ile; replaces threonine 253 with isoleucine.
Molecular consequence: missense variant.
Genome position (GRCh38, 1-based): chr1:15,445,715, C>T. VCF-style: chr1-15445715-C-T. GRCh37 (hg19) VCF-style: chr1-15772210-C-T.
Other names: short protein forms T253I.
Identifiers: ClinVar variation 846652 (VCV000846652.9), dbSNP rs780783336, ClinGen allele CA613462.

ClinVar aggregate classification (germline): Uncertain significance (1 of 4 stars; one submission).

Conditions:
Hereditary pancreatitis (PCTT). Also called: Hereditary chronic pancreatitis; PRSS1-Related Hereditary Pancreatitis. Identifiers: Orphanet 676, MedGen C0238339, MONDO:0008185, OMIM 167800.

Allele frequency attached by ClinVar (database versions not stated): gnomAD exomes below 0.00001; ExAC 0.00001.
gnomAD v4.1: 2 of 1,614,200 alleles (0.00012%); highest among the groups gnomAD compares: South Asian, 0.0011%; no homozygotes.

Submission:

Labcorp Genetics (formerly Invitae), Labcorp
Classification: Uncertain significance for Hereditary pancreatitis. Last evaluated: 2019-02-24. Review status: criteria provided, single submitter. Criteria: Invitae Variant Classification Sherloc (09022015). Collection method: clinical testing. Allele origin: germline.
Comment: In summary, the available evidence is currently insufficient to determine the role of this variant in disease. Therefore, it has been classified as a Variant of Uncertain Significance. Algorithms developed to predict the effect of missense changes on protein structure and function are either unavailable or do not agree on the potential impact of this missense change (SIFT: "Deleterious"; PolyPhen-2: "Probably Damaging"; Align-GVGD: "Class C0"). This variant has not been reported in the literature in individuals with CTRC-related conditions. This variant is present in population databases (rs780783336, ExAC 0.006%). This sequence change replaces threonine with isoleucine at codon 253 of the CTRC protein (p.Thr253Ile). The threonine residue is highly conserved and there is a moderate physicochemical difference between threonine and isoleucine.